The following is an entry in ClinVar:

ClinVar aggregate classification (germline): Uncertain significance. Review status: criteria provided, multiple submitters, no conflicts (2 of 4 stars). 2 submissions from 2 submitters: Uncertain significance (2). Last evaluated 2023-05-16.

Conditions:
Inborn genetic diseases. Identifiers: MedGen C0950123, MeSH D030342.
Acrocallosal syndrome (ACLS). Also called: HALLUX DUPLICATION, POSTAXIAL POLYDACTYLY, AND ABSENCE OF CORPUS CALLOSUM; Schinzel syndrome 1; Absence of corpus callosum with unusual facial appearance, mental deficiency, duplication of the halluces and polydactyly. Identifiers: Orphanet 36, MedGen C0796147, MONDO:0008708, OMIM 200990.

Submissions (2):

Ambry Genetics
Classification: Uncertain significance for Inborn genetic diseases. Last evaluated: 2023-05-16. Review status: criteria provided, single submitter. Criteria: Ambry Variant Classification Scheme 2023. Collection method: clinical testing. Allele origin: germline.

Labcorp Genetics (formerly Invitae), Labcorp
Classification: Uncertain significance for Acrocallosal syndrome. Last evaluated: 2021-03-10. Review status: criteria provided, single submitter. Criteria: Invitae Variant Classification Sherloc (09022015). Collection method: clinical testing. Allele origin: germline.
Comment: This variant is not present in population databases (ExAC no frequency). This variant has not been reported in the literature in individuals with KIF7-related conditions. Algorithms developed to predict the effect of missense changes on protein structure and function (SIFT, PolyPhen-2, Align-GVGD) all suggest that this variant is likely to be tolerated, but these predictions have not been confirmed by published functional studies and their clinical significance is uncertain. In summary, the available evidence is currently insufficient to determine the role of this variant in disease. Therefore, it has been classified as a Variant of Uncertain Significance. This sequence change replaces asparagine with threonine at codon 494 of the KIF7 protein (p.Asn494Thr). The asparagine residue is weakly conserved and there is a small physicochemical difference between asparagine and threonine.

NM_198525.3(KIF7):c.1481A>C (p.Asn494Thr)

Gene: KIF7 (kinesin family member 7; minus strand). Cytogenetic location: 15q26.1.
Variant type: single nucleotide variant.
Coding change: c.1481A>C on transcript NM_198525.3 (MANE Select); coding-DNA position 1481, A replaced by C.
Protein change: p.Asn494Thr; replaces asparagine 494 with threonine.
Molecular consequence: missense variant.
Genome position (GRCh38, 1-based): chr15:89,647,675, T>G on the plus strand (A>C on the coding strand, the complement: KIF7 is on the minus strand). VCF-style: chr15-89647675-T-G. GRCh37 (hg19) VCF-style: chr15-90190906-T-G.
Other names: c.1481A>C (NM_198525.2); short protein forms N494T.
Identifiers: ClinVar variation 1435509 (VCV001435509.9), dbSNP rs1313323843, ClinGen allele CA393768753.